The following is an entry in ClinVar:

ClinVar aggregate classification (germline): Uncertain significance (1 of 4 stars; one submission).

Conditions:
Immunodeficiency. Identifiers: MedGen C0021051, MONDO:0021094, HP:0002721.

gnomAD v4.1: 2 of 1,614,072 alleles (0.00012%); highest among the groups gnomAD compares: African/African-American, 0.0013%; no homozygotes.

Submission:

Labcorp Genetics (formerly Invitae), Labcorp
Classification: Uncertain significance for Immunodeficiency. Last evaluated: 2022-08-19. Review status: criteria provided, single submitter. Criteria: Invitae Variant Classification Sherloc (09022015). Collection method: clinical testing. Allele origin: germline.
Comment: In summary, the available evidence is currently insufficient to determine the role of this variant in disease. Therefore, it has been classified as a Variant of Uncertain Significance. Algorithms developed to predict the effect of missense changes on protein structure and function are either unavailable or do not agree on the potential impact of this missense change (SIFT: "Tolerated"; PolyPhen-2: "Probably Damaging"; Align-GVGD: "Class C0"). ClinVar contains an entry for this variant (Variation ID: 1349530). This variant has not been reported in the literature in individuals affected with NFAT5-related conditions. This variant is not present in population databases (gnomAD no frequency). This sequence change replaces glutamine, which is neutral and polar, with lysine, which is basic and polar, at codon 700 of the NFAT5 protein (p.Gln700Lys).

NM_138713.4(NFAT5):c.2380C>A (p.Gln794Lys)

Gene: NFAT5 (nuclear factor of activated T cells 5; plus strand). Cytogenetic location: 16q22.1.
Variant type: single nucleotide variant.
Coding change: c.2380C>A on transcript NM_138713.4 (MANE Select); coding-DNA position 2380, C replaced by A.
Protein change: p.Gln794Lys; replaces glutamine 794 with lysine.
Molecular consequence: missense variant.
Genome position (GRCh38, 1-based): chr16:69,692,205, C>A. VCF-style: chr16-69692205-C-A. GRCh37 (hg19) VCF-style: chr16-69726108-C-A.
Other names: c.2377C>A, p.Gln793Lys (NM_001113178.3); c.1705C>A, p.Gln569Lys (NM_001367709.1); c.2326C>A, p.Gln776Lys (NM_006599.4); c.2098C>A, p.Gln700Lys (NM_138714.4, NM_173214.3, NM_173215.3); short protein forms Q794K, Q776K, Q569K, Q700K, Q793K.
Identifiers: ClinVar variation 1349530 (VCV001349530.8), dbSNP rs757333746, ClinGen allele CA396508995.